The following is an entry in ClinVar:

ClinVar aggregate classification (germline): Benign/Likely benign. Review status: criteria provided, multiple submitters, no conflicts (2 of 4 stars). 4 submissions from 4 submitters: Benign (2); Likely benign (1). 1 of the submissions does not count toward it. Last evaluated 2026-02-02.

Conditions:
FASN-related disorder. Also called: FASN-related condition.
Epileptic encephalopathy. Identifiers: MedGen C0543888, HP:0200134.

Allele frequency attached by ClinVar (database versions not stated): 1000 Genomes Project 0.00180; 1000 Genomes Project 30x 0.00234; ExAC 0.00352; gnomAD exomes 0.00376 and 0.00612; TOPMed 0.00395; ESP Exome Variant Server 0.00424; gnomAD 0.00448 and 0.00464.
gnomAD v4.1: 9,556 of 1,609,570 alleles (0.59%); highest among the groups gnomAD compares: Non-Finnish European, 0.71%; 37 homozygotes.

Submissions (4):

Labcorp Genetics (formerly Invitae), Labcorp
Classification: Benign for Epileptic encephalopathy. Last evaluated: 2026-02-02. Review status: criteria provided, single submitter. Criteria: Invitae Variant Classification Sherloc (09022015). Collection method: clinical testing. Allele origin: germline.

Blueprint Genetics
Classification: Likely benign. Last evaluated: 2024-11-15. Review status: criteria provided, single submitter. Criteria: ACMG Guidelines, 2015. Collection method: clinical testing. Allele origin: germline.

Breakthrough Genomics
Classification: Benign. Review status: criteria provided, single submitter. Criteria: ACMG Guidelines, 2015. Collection method: not provided. Allele origin: germline. Inheritance: Unknown mechanism. Affected: yes.

PreventionGenetics, part of Exact Sciences
Classification: Benign for FASN-related condition. Last evaluated: 2024-02-21. Review status: no assertion criteria provided. Collection method: clinical testing. Allele origin: germline. Not counted in ClinVar's aggregate classification.
Comment: This variant is classified as benign based on ACMG/AMP sequence variant interpretation guidelines (Richards et al. 2015 PMID: 25741868, with internal and published modifications).

NM_004104.5(FASN):c.5872G>A (p.Glu1958Lys)

Gene: FASN (fatty acid synthase; minus strand). Cytogenetic location: 17q25.3.
Variant type: single nucleotide variant.
Coding change: c.5872G>A on transcript NM_004104.5 (MANE Select); coding-DNA position 5872, G replaced by A.
Protein change: p.Glu1958Lys; replaces glutamic acid 1958 with lysine.
Molecular consequence: missense variant.
Genome position (GRCh38, 1-based): chr17:82,082,574, C>T on the plus strand (G>A on the coding strand, the complement: FASN is on the minus strand). VCF-style: chr17-82082574-C-T. GRCh37 (hg19) VCF-style: chr17-80040450-C-T.
Other names: short protein forms E1958K.
Identifiers: ClinVar variation 462083 (VCV000462083.16), dbSNP rs145688025, ClinGen allele CA8851522.